The following is an entry in ClinVar:

ClinVar aggregate classification (germline): Uncertain significance (1 of 4 stars; one submission).

Conditions:
Cardiovascular phenotype. Identifiers: MedGen CN230736.

Allele frequency attached by ClinVar (database versions not stated): gnomAD exomes below 0.00001; ExAC 0.00001.
gnomAD v4.1: 2 of 1,614,078 alleles (0.00012%); highest among the groups gnomAD compares: Admixed American, 0.0033%; no homozygotes.

Submission:

Ambry Genetics
Classification: Uncertain significance for Cardiovascular phenotype. Last evaluated: 2022-04-06. Review status: criteria provided, single submitter. Criteria: Ambry Variant Classification Scheme 2023. Collection method: clinical testing. Allele origin: germline.
Comment: The p.Y183F variant (also known as c.548A>T), located in coding exon 1 of the LOX gene, results from an A to T substitution at nucleotide position 548. The tyrosine at codon 183 is replaced by phenylalanine, an amino acid with highly similar properties. This amino acid position is conserved. In addition, this alteration is predicted to be tolerated by in silico analysis. Since supporting evidence is limited at this time, the clinical significance of this alteration remains unclear.

NM_002317.7(LOX):c.548A>T (p.Tyr183Phe)

Genes: LOX (lysyl oxidase; minus strand), SRFBP1 (serum response factor binding protein 1; plus strand). Cytogenetic location: 5q23.1.
Variant type: single nucleotide variant.
Coding change: c.548A>T on transcript NM_002317.7 (MANE Select); coding-DNA position 548, A replaced by T.
Protein change: p.Tyr183Phe; replaces tyrosine 183 with phenylalanine.
Molecular consequence: missense variant.
Genome position (GRCh38, 1-based): chr5:122,077,438, T>A on the plus strand (A>T on the coding strand, the complement: LOX is on the minus strand). VCF-style: chr5-122077438-T-A. GRCh37 (hg19) VCF-style: chr5-121413133-T-A.
Other names: short protein forms Y183F.
Identifiers: ClinVar variation 1747837 (VCV001747837.2), dbSNP rs760552928, ClinGen allele CA3384009.
Genomic context (GRCh38, chr5:122,077,438, plus strand): 5'-TATCCGGGCCGGTACCTGCCCCCAGGTCTGGGCCTTTCATAAGTATCGTAGTAGTTGTAA[T>A]AAGGGTTGTCGTCAGAGTACTTGTAGGGGTTGTAAGGGTCGTCGCCCACCATGCCGTCCA-3'
Protein context (NP_002308.2, residues 173-193): NPYKYSDDNP[Tyr183Phe]YNYYDTYERP